The following is an entry in ClinVar:

NM_000051.4(ATM):c.1718dup (p.Glu574fs)

Gene: ATM (ATM serine/threonine kinase; plus strand). Cytogenetic location: 11q22.3.
Variant type: Duplication.
Coding change: c.1718dup on transcript NM_000051.4 (MANE Select); coding-DNA position 1718, one base duplicated (A; older notation c.1718dupA).
Protein change: p.Glu574fs; shifts the reading frame from glutamic acid 574.
Molecular consequence: frameshift variant.
Genome position (GRCh38, 1-based): chr11:108,251,947, A duplicated; the last of 3 consecutive A bases (chr11:108,251,945-108,251,947); duplicating any one gives the same sequence. VCF-style (leftmost placement, unchanged base first): chr11-108251944-T-TA. GRCh37 (hg19) VCF-style: chr11-108122671-T-TA.
Other names: c.1718dup, p.Glu574fs (NM_001351834.2); short protein forms E574fs.
Identifiers: ClinVar variation 2774152 (VCV002774152.2), dbSNP rs2497271189, ClinGen allele CA2697549007.

ClinVar aggregate classification (germline): Pathogenic (1 of 4 stars; one submission).

Conditions:
Hereditary cancer-predisposing syndrome. Also called: Hereditary neoplastic syndrome; Hereditary Cancer Syndrome; Neoplastic Syndromes, Hereditary; Tumor predisposition. Identifiers: Orphanet 140162, MedGen C0027672, MeSH D009386, MONDO:0015356.

Submission:

Color Diagnostics, LLC DBA Color Health
Classification: Pathogenic for Hereditary cancer-predisposing syndrome. Last evaluated: 2023-08-07. Review status: criteria provided, single submitter. Criteria: ACMG Guidelines, 2015. Collection method: clinical testing. Allele origin: germline.
Comment: This variant inserts 1 nucleotide in exon 11 of the ATM gene, creating a frameshift and premature translation stop signal. This variant is expected to result in an absent or non-functional protein product. To our knowledge, this variant has not been reported in individuals affected with ATM-related disorders in the literature. This variant has not been identified in the general population by the Genome Aggregation Database (gnomAD). Loss of ATM function is a known mechanism of disease. Based on the available evidence, this variant is classified as Pathogenic.